The following is an entry in ClinVar:

NM_005918.4(MDH2):c.347C>T (p.Thr116Ile)

Gene: MDH2 (malate dehydrogenase 2; plus strand). Cytogenetic location: 7q11.23.
Variant type: single nucleotide variant.
Coding change: c.347C>T on transcript NM_005918.4 (MANE Select); coding-DNA position 347, C replaced by T.
Protein change: p.Thr116Ile; replaces threonine 116 with isoleucine.
Molecular consequence: missense variant.
Genome position (GRCh38, 1-based): chr7:76,057,996, C>T. VCF-style: chr7-76057996-C-T. GRCh37 (hg19) VCF-style: chr7-75687314-C-T.
Other names: c.347C>T, p.Thr116Ile (NM_001282403.2); c.26C>T, p.Thr9Ile (NM_001282404.2); short protein forms T116I, T9I.
Identifiers: ClinVar variation 2496821 (VCV002496821.2), dbSNP rs782387645, ClinGen allele CA4305506.

ClinVar aggregate classification (germline): Uncertain significance (1 of 4 stars; one submission).

Conditions:
Inborn genetic diseases. Identifiers: MedGen C0950123, MeSH D030342.

Allele frequency attached by ClinVar (database versions not stated): ExAC 0.00001; gnomAD exomes 0.00001.

Submission:

Ambry Genetics
Classification: Uncertain significance for Inborn genetic diseases. Last evaluated: 2022-12-14. Review status: criteria provided, single submitter. Criteria: Ambry Variant Classification Scheme 2023. Collection method: clinical testing. Allele origin: germline.
Comment: The p.T116I variant (also known as c.347C>T), located in coding exon 4 of the MDH2 gene, results from a C to T substitution at nucleotide position 347. The threonine at codon 116 is replaced by isoleucine, an amino acid with similar properties. This amino acid position is conserved. In addition, the in silico prediction for this alteration is inconclusive. Since supporting evidence is limited at this time, the clinical significance of this alteration remains unclear.